The following is an entry in ClinVar:

ClinVar aggregate classification (germline): Benign. Review status: criteria provided, single submitter (1 of 4 stars). 2 submissions from 2 submitters: Benign (1). 1 of the submissions does not count toward it. Last evaluated 2019-12-31.

Conditions:
CMIP-related disorder. Also called: CMIP-related condition.

Allele frequency attached by ClinVar (database versions not stated): 1000 Genomes Project 30x 0.00047; 1000 Genomes Project 0.00060; ESP Exome Variant Server 0.00090; gnomAD 0.00106 and 0.00109; TOPMed 0.00114; gnomAD exomes 0.00125 and 0.00146; ExAC 0.00177.
gnomAD v4.1: 2,266 of 1,602,334 alleles (0.14%); highest among the groups gnomAD compares: Non-Finnish European, 0.16%; 5 homozygotes.

Submissions (2):

Labcorp Genetics (formerly Invitae), Labcorp
Classification: Benign. Last evaluated: 2019-12-31. Review status: criteria provided, single submitter. Criteria: Invitae Variant Classification Sherloc (09022015). Collection method: clinical testing. Allele origin: germline.

PreventionGenetics, part of Exact Sciences
Classification: Likely benign for CMIP-related condition. Last evaluated: 2019-03-26. Review status: no assertion criteria provided. Collection method: clinical testing. Allele origin: germline. Not counted in ClinVar's aggregate classification.
Comment: This variant is classified as likely benign based on ACMG/AMP sequence variant interpretation guidelines (Richards et al. 2015 PMID: 25741868, with internal and published modifications).

NM_198390.3(CMIP):c.929+10C>T

Gene: CMIP (c-Maf inducing protein; plus strand). Cytogenetic location: 16q23.3.
Variant type: single nucleotide variant.
Coding change: c.929+10C>T on transcript NM_198390.3 (MANE Select); 10 bases into the intron after coding-DNA position 929, C replaced by T.
Molecular consequence: intron variant.
Genome position (GRCh38, 1-based): chr16:81,670,255, C>T. VCF-style: chr16-81670255-C-T. GRCh37 (hg19) VCF-style: chr16-81703860-C-T.
Other names: c.647+10C>T (NM_030629.3).
Identifiers: ClinVar variation 773307 (VCV000773307.6), dbSNP rs183075361, ClinGen allele CA8192259.
Genomic context (GRCh38, chr16:81,670,255, plus strand): 5'-CTTGAACGAGCTCAACGCGGGGATGGAAGTGGTGAAGAAGTTCATTCAGAGGTGGGTCTC[C>T]GGCGCGACGTCCCTCTGTGGCCTAGGAGCCACTTTCCTCTCGGATCCTGTTTACTCAGAT-3'